The following is an entry in ClinVar:

ClinVar aggregate classification (germline): Conflicting classifications of pathogenicity. Review status: criteria provided, conflicting classifications (1 of 4 stars). 5 submissions from 5 submitters: Uncertain significance (1); Likely benign (3). 1 of the submissions does not count toward it. Last evaluated 2025-10-05.

Conditions:
SLC5A5-related disorder. Also called: SLC5A5-related condition.
Thyroid dyshormonogenesis 1. Also called: HYPOTHYROIDISM, CONGENITAL, DUE TO DYSHORMONOGENESIS, 1; IODINE ACCUMULATION, TRANSPORT, OR TRAPPING DEFECT; THYROID HORMONOGENESIS, GENETIC DEFECT IN, 1; Familial thyroid dyshormonogenesis 1. Identifiers: Orphanet 95716, MedGen C1848805, MONDO:0020716, OMIM 274400.

Allele frequency attached by ClinVar (database versions not stated): 1000 Genomes Project 30x 0.00031; ESP Exome Variant Server 0.00038; 1000 Genomes Project 0.00040; gnomAD 0.00046 and 0.00048; TOPMed 0.00049; gnomAD exomes 0.00061 and 0.00076; ExAC 0.00066.
gnomAD v4.1: 971 of 1,606,312 alleles (0.06%); highest among the groups gnomAD compares: Non-Finnish European, 0.052%; no homozygotes.

Submissions (5):

Labcorp Genetics (formerly Invitae), Labcorp
Classification: Likely benign. Last evaluated: 2025-10-05. Review status: criteria provided, single submitter. Criteria: Invitae Variant Classification Sherloc (09022015). Collection method: clinical testing. Allele origin: germline.

Laboratory of Genetics, Children's Clinical University Hospital Latvia
Classification: Likely benign. Last evaluated: 2025-02-16. Review status: criteria provided, single submitter. Criteria: ACMG Guidelines, 2015. Collection method: clinical testing. Allele origin: germline. Affected: yes.

Blueprint Genetics
Classification: Likely benign. Last evaluated: 2024-11-23. Review status: criteria provided, single submitter. Criteria: ACMG Guidelines, 2015. Collection method: clinical testing. Allele origin: germline.

Illumina Laboratory Services, Illumina
Classification: Uncertain significance for Thyroid dyshormonogenesis 1. Last evaluated: 2018-01-13. Review status: criteria provided, single submitter. Criteria: ICSL Variant Classification Criteria 13 December 2019. Collection method: clinical testing. Allele origin: germline.

PreventionGenetics, part of Exact Sciences
Classification: Likely benign for SLC5A5-related condition. Last evaluated: 2019-02-21. Review status: no assertion criteria provided. Collection method: clinical testing. Allele origin: germline. Not counted in ClinVar's aggregate classification.
Comment: This variant is classified as likely benign based on ACMG/AMP sequence variant interpretation guidelines (Richards et al. 2015 PMID: 25741868, with internal and published modifications).

NM_000453.3(SLC5A5):c.330C>T (p.Tyr110=)

Gene: SLC5A5 (solute carrier family 5 member 5; plus strand). Cytogenetic location: 19p13.11.
Variant type: single nucleotide variant.
Coding change: c.330C>T on transcript NM_000453.3 (MANE Select); coding-DNA position 330, C replaced by T.
Protein change: p.Tyr110=; no amino-acid change (tyrosine 110 retained).
Molecular consequence: synonymous variant.
Genome position (GRCh38, 1-based): chr19:17,872,649, C>T. VCF-style: chr19-17872649-C-T. GRCh37 (hg19) VCF-style: chr19-17983458-C-T.
Identifiers: ClinVar variation 328534 (VCV000328534.16), dbSNP rs145238835, ClinGen allele CA9302675.
Genomic context (GRCh38, chr19:17,872,649, plus strand): 5'-GTGCCTGGGCCAGCTTCTGAACTCGGTCCTCACCGCCCTGCTCTTCATGCCCGTCTTCTA[C>T]CGCCTGGGCCTCACCAGCACCTACGAGGTACCGGACAGAGGCCCGGGGGTAGGACCTGCC-3'
Protein context (NP_000444.1, residues 100-120): LTALLFMPVF[Tyr110=]RLGLTSTYEY